The following is an entry in ClinVar:

ClinVar aggregate classification (germline): Uncertain significance (1 of 4 stars; one submission).

Submission:

Labcorp Genetics (formerly Invitae), Labcorp
Classification: Uncertain significance. Last evaluated: 2022-05-04. Review status: criteria provided, single submitter. Criteria: Invitae Variant Classification Sherloc (09022015). Collection method: clinical testing. Allele origin: germline.
Comment: In summary, the available evidence is currently insufficient to determine the role of this variant in disease. Therefore, it has been classified as a Variant of Uncertain Significance. Algorithms developed to predict the effect of missense changes on protein structure and function output the following: SIFT: "Tolerated"; PolyPhen-2: "Benign"; Align-GVGD: "Class C0". The glutamic acid amino acid residue is found in multiple mammalian species, which suggests that this missense change does not adversely affect protein function. This variant has not been reported in the literature in individuals affected with NXF5-related conditions. This variant is not present in population databases (gnomAD no frequency). This sequence change replaces alanine, which is neutral and non-polar, with glutamic acid, which is acidic and polar, at codon 90 of the NXF5 protein (p.Ala90Glu).

NC_000023.11:g.101841530G>T

Gene: NXF5 (nuclear RNA export factor 5; minus strand). Cytogenetic location: Xq22.1.
Variant type: single nucleotide variant.
Molecular consequence: non-coding transcript variant (on NR_028089.1).
Genome position: GRCh38 VCF-style: chrX-101841530-G-T. GRCh37 (hg19) VCF-style: chrX-101096502-G-T.
Identifiers: ClinVar variation 2133360 (VCV002133360.4), dbSNP rs772831793, ClinGen allele CA413967508.
Genomic context (GRCh38, chrX:101,841,530, plus strand): 5'-TGTATTACCTTTAGCATCTCCATTTGGCCTGGCTTCAACTTATTCTTCACAGAGTAGGGC[G>T]CAGTAAAATGACTGACAAATATACATATCTGCAGGAAGGCAGGGTGGTAAGTACCAGGAC-3'